The following is an entry in ClinVar:

ClinVar aggregate classification (germline): Uncertain significance (1 of 4 stars; one submission).

Conditions:
Cardiovascular phenotype. Identifiers: MedGen CN230736.
Hereditary cancer-predisposing syndrome. Also called: Neoplastic Syndromes, Hereditary; Tumor predisposition; Hereditary neoplastic syndrome; Hereditary Cancer Syndrome. Identifiers: Orphanet 140162, MedGen C0027672, MeSH D009386, MONDO:0015356.

Submission:

Ambry Genetics
Classification: Uncertain significance for Cardiovascular phenotype; Hereditary cancer-predisposing syndrome. Last evaluated: 2026-07-24. Review status: criteria provided, single submitter. Criteria: Ambry Variant Classification Scheme 2023. Collection method: clinical testing. Allele origin: germline.
Comment: The p.A502V variant (also known as c.1505C>T), located in coding exon 13 of the NF1 gene, results from a C to T substitution at nucleotide position 1505. The alanine at codon 502 is replaced by valine, an amino acid with similar properties. This amino acid position is conserved. In addition, the in silico prediction for this alteration is inconclusive. Based on the available evidence, the clinical significance of this variant remains unclear.

NM_001042492.3(NF1):c.1505C>T (p.Ala502Val)

Gene: NF1 (neurofibromin 1; plus strand). Cytogenetic location: 17q11.2.
Variant type: single nucleotide variant.
Coding change: c.1505C>T on transcript NM_001042492.3 (MANE Select); coding-DNA position 1505, C replaced by T.
Protein change: p.Ala502Val; replaces alanine 502 with valine.
Molecular consequence: missense variant.
Genome position (GRCh38, 1-based): chr17:31,214,563, C>T. VCF-style: chr17-31214563-C-T. GRCh37 (hg19) VCF-style: chr17-29541581-C-T.
Other names: c.1505C>T, p.Ala502Val (NM_000267.4, NM_001128147.3); short protein forms A502V.
Identifiers: ClinVar variation 5025586 (VCV005025586.1).